The following is an entry in ClinVar:

NM_170707.4(LMNA):c.356+18G>T

Gene: LMNA (lamin A/C; plus strand). Cytogenetic location: 1q22.
Variant type: single nucleotide variant.
Coding change: c.356+18G>T on transcript NM_170707.4 (MANE Select); 18 bases into the intron after coding-DNA position 356, G replaced by T.
Molecular consequence: intron variant.
Genome position (GRCh38, 1-based): chr1:156,115,292, G>T. VCF-style: chr1-156115292-G-T. GRCh37 (hg19) VCF-style: chr1-156085083-G-T.
Other names: c.356+18G>T (NM_001282625.2, NM_001282626.2, NM_170708.4 and 1 more transcripts).
Identifiers: ClinVar variation 381816 (VCV000381816.8), dbSNP rs764535819, ClinGen allele CA052274.
Genomic context (GRCh38, chr1:156,115,292, plus strand): 5'-AGCTGAGCAAAGTGCGTGAGGAGTTTAAGGAGCTGAAAGCGCGGTGAGTTCGCCCAGGTG[G>T]CTGCGTGCCTGGCGGGGAGTGGAGAGGGCGGCGGGCCGGCGCCCCTGGCCGGCCGCAGGA-3'

ClinVar aggregate classification (germline): Likely benign. Review status: criteria provided, multiple submitters, no conflicts (2 of 4 stars). 2 submissions from 2 submitters: Likely benign (2). Last evaluated 2025-10-01.

Conditions:
Charcot-Marie-Tooth disease type 2. Also called: Charcot-Marie-Tooth type 2. Identifiers: Orphanet 64746, MedGen C0270914, MONDO:0018993.

Allele frequency attached by ClinVar (database versions not stated): gnomAD 0.00001; TOPMed 0.00001; gnomAD exomes below 0.00001 and 0.00001; ExAC 0.00001.
gnomAD v4.1: 14 of 1,590,020 alleles (0.00088%); highest among the groups gnomAD compares: Non-Finnish European, 0.0011%; no homozygotes.

Submissions (2):

Labcorp Genetics (formerly Invitae), Labcorp
Classification: Likely benign for Charcot-Marie-Tooth disease type 2. Last evaluated: 2025-10-01. Review status: criteria provided, single submitter. Criteria: Invitae Variant Classification Sherloc (09022015). Collection method: clinical testing. Allele origin: germline.

GeneDx
Classification: Likely benign. Last evaluated: 2015-12-07. Review status: criteria provided, single submitter. Criteria: GeneDx Variant Classification (06012015). Collection method: clinical testing. Allele origin: germline. Affected: yes.
Comment: This variant is considered likely benign or benign based on one or more of the following criteria: it is a conservative change, it occurs at a poorly conserved position in the protein, it is predicted to be benign by multiple in silico algorithms, and/or has population frequency not consistent with disease.